The following is an entry in ClinVar:

NM_198253.3(TERT):c.1250C>T (p.Ala417Val)

Gene: TERT (telomerase reverse transcriptase; minus strand). Cytogenetic location: 5p15.33.
Variant type: single nucleotide variant.
Coding change: c.1250C>T on transcript NM_198253.3 (MANE Select); coding-DNA position 1250, C replaced by T.
Protein change: p.Ala417Val; replaces alanine 417 with valine.
Molecular consequence: missense variant. On other transcripts: non-coding transcript variant (2).
Genome position (GRCh38, 1-based): chr5:1,293,636, G>A on the plus strand (C>T on the coding strand, the complement: TERT is on the minus strand). VCF-style: chr5-1293636-G-A. GRCh37 (hg19) VCF-style: chr5-1293751-G-A.
Other names: c.1250C>T, p.Ala417Val (NM_001193376.3); short protein forms A417V.
Identifiers: ClinVar variation 471817 (VCV000471817.9), dbSNP rs1440396485, ClinGen allele CA359086436.

ClinVar aggregate classification (germline): Uncertain significance (1 of 4 stars; one submission).

Conditions:
Dyskeratosis congenita, autosomal dominant 2. Identifiers: MedGen C3151443, MONDO:0013521, OMIM 613989.
Idiopathic Pulmonary Fibrosis. Also called: Idiopathic fibrosing alveolitis, chronic form; idiopathic fibrosing alveolitis. Identifiers: Orphanet 2032, MedGen C1800706, MeSH D054990, MONDO:0800504.

Allele frequency attached by ClinVar (database versions not stated): TOPMed below 0.00001.

Submission:

Labcorp Genetics (formerly Invitae), Labcorp
Classification: Uncertain significance for Dyskeratosis congenita, autosomal dominant 2; Idiopathic Pulmonary Fibrosis. Last evaluated: 2017-04-25. Review status: criteria provided, single submitter. Criteria: Invitae Variant Classification Sherloc (09022015). Collection method: clinical testing. Allele origin: germline.
Comment: This sequence change replaces alanine with valine at codon 417 of the TERT protein (p.Ala417Val). The alanine residue is weakly conserved and there is a small physicochemical difference between alanine and valine. This variant is not present in population databases (ExAC no frequency) and has not been reported in the literature in individuals with a TERT-related disease. Algorithms developed to predict the effect of missense changes on protein structure and function output the following: SIFT: "Tolerated"; PolyPhen-2: "Benign"; Align-GVGD: "Class C0". The valine amino acid residue is found in multiple mammalian species, suggesting that this missense change does not adversely affect protein function. These predictions have not been confirmed by published functional studies. In summary, this variant is a novel missense change that is not predicted to affect protein function. There is no indication that it causes disease, but the available evidence is currently insufficient to prove that conclusively. Therefore, it has been classified as a Variant of Uncertain Significance.